The following is an entry in ClinVar:

ClinVar aggregate classification (germline): Uncertain significance. Review status: criteria provided, multiple submitters, no conflicts (2 of 4 stars). 3 submissions from 3 submitters: Uncertain significance (3). Last evaluated 2025-07-23.

Conditions:
Landau-Kleffner syndrome (FESD). Also called: EPILEPSY, FOCAL, WITH SPEECH DISORDER AND WITH OR WITHOUT MENTAL RETARDATION; APHASIA, ACQUIRED, WITH EPILEPSY. Identifiers: Orphanet 1945, Orphanet 725, Orphanet 98818, MedGen C0282512, MONDO:0009509, OMIM 245570.

Allele frequency attached by ClinVar (database versions not stated): gnomAD exomes below 0.00001; ExAC 0.00001; TOPMed 0.00001.
gnomAD v4.1: 2 of 1,614,196 alleles (0.00012%); highest among the groups gnomAD compares: Non-Finnish European, 0.00017%; no homozygotes.

Submissions (3):

Labcorp Genetics (formerly Invitae), Labcorp
Classification: Uncertain significance for Landau-Kleffner syndrome. Last evaluated: 2025-07-23. Review status: criteria provided, single submitter. Criteria: Invitae Variant Classification Sherloc (09022015). Collection method: clinical testing. Allele origin: germline.
Comment: This sequence change replaces histidine, which is basic and polar, with glutamine, which is neutral and polar, at codon 839 of the GRIN2A protein (p.His839Gln). This variant is present in population databases (rs769482103, gnomAD 0.0009%). This variant has not been reported in the literature in individuals affected with GRIN2A-related conditions. ClinVar contains an entry for this variant (Variation ID: 595098). Invitae Evidence Modeling of protein sequence and biophysical properties (such as structural, functional, and spatial information, amino acid conservation, physicochemical variation, residue mobility, and thermodynamic stability) has been performed for this missense variant. However, the output from this modeling did not meet the statistical confidence thresholds required to predict the impact of this variant on GRIN2A protein function. In summary, the available evidence is currently insufficient to determine the role of this variant in disease. Therefore, it has been classified as a Variant of Uncertain Significance.

GeneDx
Classification: Uncertain significance. Last evaluated: 2021-12-13. Review status: criteria provided, single submitter. Criteria: GeneDx Variant Classification Process June 2021. Collection method: clinical testing. Allele origin: germline. Affected: yes.
Comment: In silico analysis supports that this missense variant has a deleterious effect on protein structure/function; Has not been previously published as pathogenic or benign to our knowledge

Eurofins Ntd Llc (ga)
Classification: Uncertain significance. Last evaluated: 2017-11-19. Review status: criteria provided, single submitter. Criteria: EGL Classification Definitions 2015. Collection method: clinical testing. Allele origin: germline.

NM_001134407.3(GRIN2A):c.2517C>A (p.His839Gln)

Gene: GRIN2A (glutamate ionotropic receptor NMDA type subunit 2A; minus strand). Cytogenetic location: 16p13.2.
Variant type: single nucleotide variant.
Coding change: c.2517C>A on transcript NM_001134407.3 (MANE Select); coding-DNA position 2517, C replaced by A.
Protein change: p.His839Gln; replaces histidine 839 with glutamine.
Molecular consequence: missense variant.
Genome position (GRCh38, 1-based): chr16:9,768,929, G>T on the plus strand (C>A on the coding strand, the complement: GRIN2A is on the minus strand). VCF-style: chr16-9768929-G-T. GRCh37 (hg19) VCF-style: chr16-9862786-G-T.
Other names: c.2517C>A, p.His839Gln (NM_000833.5, NM_001134408.2); short protein forms H839Q.
Identifiers: ClinVar variation 595098 (VCV000595098.15), dbSNP rs769482103, ClinGen allele CA7896496.
Genomic context (GRCh38, chr16:9,768,929, plus strand): 5'-CAACCCAGGCCGGTCGGAGCACACGCCCGTGAAACAGAAGCGCAGCTTCCAGTAGAAGAG[G>T]TGCTCCCAGATGAAGGTGATGAGGCTAAGGGCCATGGCGGCAGCCAGCATGTAGAATACG-3'
Protein context (NP_001127879.1, residues 829-849): ALSLITFIWE[His839Gln]LFYWKLRFCF